The following is an entry in ClinVar:

NM_000548.5(TSC2):c.5197A>G (p.Thr1733Ala)

Gene: TSC2 (TSC complex subunit 2; plus strand). Cytogenetic location: 16p13.3.
Variant type: single nucleotide variant.
Coding change: c.5197A>G on transcript NM_000548.5 (MANE Select); coding-DNA position 5197, A replaced by G.
Protein change: p.Thr1733Ala; replaces threonine 1733 with alanine.
Molecular consequence: missense variant.
Genome position (GRCh38, 1-based): chr16:2,088,263, A>G. VCF-style: chr16-2088263-A-G. GRCh37 (hg19) VCF-style: chr16-2138264-A-G.
Other names: c.4996A>G, p.Thr1666Ala (NM_001077183.3); c.5128A>G, p.Thr1710Ala (NM_001114382.3); c.4888A>G, p.Thr1630Ala (NM_001318827.2); c.4852A>G, p.Thr1618Ala (NM_001318829.2); c.4465A>G, p.Thr1489Ala (NM_001318831.2); c.5029A>G, p.Thr1677Ala (NM_001318832.2); c.4999A>G, p.Thr1667Ala (NM_001363528.2); c.5065A>G, p.Thr1689Ala (NM_001370404.1); and 2 more; short protein forms T1690A, T1710A, T1489A, T1618A, T1666A, T1677A, T1686A, T1733A.
Identifiers: ClinVar variation 651314 (VCV000651314.11), dbSNP rs1596460327, ClinGen allele CA394314229.
Genomic context (GRCh38, chr16:2,088,263, plus strand): 5'-CTCACCCCCTGCCTACGTCCCCAGATGGCCTCACAGGTGCATCATAGCCGCTCCAACCCC[A>G]CCGATATCTACCCCTCCAAGTGGATTGCCCGGCTCCGCCACATCAAGCGGCTCCGCCAGC-3'
Protein context (NP_000539.2, residues 1723-1743): SQVHHSRSNP[Thr1733Ala]DIYPSKWIAR

ClinVar aggregate classification (germline): Conflicting classifications of pathogenicity. Review status: criteria provided, conflicting classifications (1 of 4 stars). 4 submissions from 4 submitters: Uncertain significance (3); Benign (1). Last evaluated 2025-10-06.

Conditions:
Hereditary cancer-predisposing syndrome. Also called: Hereditary Cancer Syndrome; Tumor predisposition; Neoplastic Syndromes, Hereditary; Hereditary neoplastic syndrome. Identifiers: Orphanet 140162, MedGen C0027672, MeSH D009386, MONDO:0015356.
Isolated focal cortical dysplasia type II (FCORD2). Also called: Focal cortical dysplasia type II; CORTICAL DYSPLASIA OF TAYLOR. Identifiers: Orphanet 268994, MedGen C1846385, MONDO:0011818, OMIM 607341, HP:0032051.
Tuberous sclerosis 2 (TSC2). Identifiers: Orphanet 805, MedGen C1860707, MONDO:0013199, OMIM 613254.

Allele frequency attached by ClinVar (database versions not stated): gnomAD exomes below 0.00001.
gnomAD v4.1: 1 of 1,612,964 alleles (0.000062%); highest among the groups gnomAD compares: Non-Finnish European, 0.000085%; no homozygotes.

Submissions (4):

Labcorp Genetics (formerly Invitae), Labcorp
Classification: Benign for Tuberous sclerosis 2. Last evaluated: 2025-10-06. Review status: criteria provided, single submitter. Criteria: Invitae Variant Classification Sherloc (09022015). Collection method: clinical testing. Allele origin: germline.

GeneDx
Classification: Uncertain significance. Last evaluated: 2023-11-08. Review status: criteria provided, single submitter. Criteria: GeneDx Variant Classification Process June 2021. Collection method: clinical testing. Allele origin: germline. Affected: yes.
Comment: Not observed at significant frequency in large population cohorts (gnomAD); In silico analysis supports that this missense variant does not alter protein structure/function; Has not been previously published as pathogenic or benign to our knowledge

Ambry Genetics
Classification: Uncertain significance for Hereditary cancer-predisposing syndrome. Last evaluated: 2023-07-16. Review status: criteria provided, single submitter. Criteria: Ambry Variant Classification Scheme 2023. Collection method: clinical testing. Allele origin: germline.
Comment: The p.T1733A variant (also known as c.5197A>G), located in coding exon 40 of the TSC2 gene, results from an A to G substitution at nucleotide position 5197. The threonine at codon 1733 is replaced by alanine, an amino acid with similar properties. This amino acid position is conserved. In addition, this alteration is predicted to be deleterious by in silico analysis. Since supporting evidence is limited at this time, the clinical significance of this alteration remains unclear.

Baylor Genetics
Classification: Uncertain significance for Isolated focal cortical dysplasia type II. Last evaluated: 2023-06-15. Review status: criteria provided, single submitter. Criteria: ACMG Guidelines, 2015. Collection method: clinical testing. Allele origin: unknown.